The following is an entry in ClinVar:

ClinVar aggregate classification (germline): Uncertain significance. Review status: criteria provided, multiple submitters, no conflicts (2 of 4 stars). 3 submissions from 3 submitters: Uncertain significance (3). Last evaluated 2024-12-18.

Allele frequency attached by ClinVar (database versions not stated): gnomAD exomes 0.00001 and 0.00006; ExAC 0.00012; ESP Exome Variant Server 0.00015; 1000 Genomes Project 0.00060; TOPMed 0.00019; gnomAD 0.00021; 1000 Genomes Project 30x 0.00047.
gnomAD v4.1: 47 of 1,614,134 alleles (0.0029%); highest among the groups gnomAD compares: African/African-American, 0.059%; no homozygotes.

Submissions (4):

GeneDx
Classification: Uncertain significance. Last evaluated: 2024-12-18. Review status: criteria provided, single submitter. Criteria: GeneDx Variant Classification Process June 2021. Collection method: clinical testing. Allele origin: germline.
Comment: In silico analysis supports that this missense variant has a deleterious effect on protein structure/function; In silico analysis is inconclusive as to whether the variant alters gene splicing. In the absence of RNA/functional studies, the actual effect of this sequence change is unknown.; Has not been previously published as pathogenic or benign to our knowledge

Labcorp Genetics (formerly Invitae), Labcorp
Classification: Uncertain significance. Last evaluated: 2022-07-25. Review status: criteria provided, single submitter. Criteria: Invitae Variant Classification Sherloc (09022015). Collection method: clinical testing. Allele origin: germline.
Comment: This sequence change replaces glutamic acid, which is acidic and polar, with valine, which is neutral and non-polar, at codon 734 of the LAMC3 protein (p.Glu734Val). This variant is present in population databases (rs376100801, gnomAD 0.1%). This variant has not been reported in the literature in individuals affected with LAMC3-related conditions. ClinVar contains an entry for this variant (Variation ID: 435728). Algorithms developed to predict the effect of missense changes on protein structure and function (SIFT, PolyPhen-2, Align-GVGD) all suggest that this variant is likely to be disruptive. Algorithms developed to predict the effect of sequence changes on RNA splicing suggest that this variant may disrupt the consensus splice site. In summary, the available evidence is currently insufficient to determine the role of this variant in disease. Therefore, it has been classified as a Variant of Uncertain Significance.

Genetic Services Laboratory, University of Chicago
Classification: Uncertain significance. Last evaluated: 2016-06-03. Review status: criteria provided, single submitter. Criteria: ACMG Guidelines, 2015. Collection method: clinical testing. Allele origin: germline. Affected: no.

Dr. Peter K. Rogan Lab, Western University
No classification provided (evidence only). Condition: Sarcoma. Review status: no classification provided. Collection method: in vitro. Allele origin: not applicable. Functional consequence: retained intron. Not counted in ClinVar's aggregate classification.

NM_006059.4(LAMC3):c.2201A>T (p.Glu734Val)

Gene: LAMC3 (laminin subunit gamma 3; plus strand). Cytogenetic location: 9q34.12.
Variant type: single nucleotide variant.
Coding change: c.2201A>T on transcript NM_006059.4 (MANE Select); coding-DNA position 2201, A replaced by T.
Protein change: p.Glu734Val; replaces glutamic acid 734 with valine.
Molecular consequence: missense variant.
Genome position (GRCh38, 1-based): chr9:131,061,077, A>T. VCF-style: chr9-131061077-A-T. GRCh37 (hg19) VCF-style: chr9-133936464-A-T.
Other names: short protein forms E734V.
Identifiers: ClinVar variation 435728 (VCV000435728.11), dbSNP rs376100801, ClinGen allele CA5287350.